The following is an entry in ClinVar:

ClinVar aggregate classification (germline): Conflicting classifications of pathogenicity. Review status: criteria provided, conflicting classifications (1 of 4 stars). 5 submissions from 5 submitters: Uncertain significance (4); Likely benign (1). Last evaluated 2025-03-04.

Conditions:
Hereditary cancer-predisposing syndrome. Also called: Hereditary Cancer Syndrome; Neoplastic Syndromes, Hereditary; Hereditary neoplastic syndrome; Tumor predisposition. Identifiers: Orphanet 140162, MedGen C0027672, MeSH D009386, MONDO:0015356.
Peutz-Jeghers syndrome (PJS). Also called: Peutz-Jeghers polyposis; Periorificial lentiginosis syndrome; POLYPOSIS, HAMARTOMATOUS INTESTINAL; POLYPS-AND-SPOTS SYNDROME. Identifiers: Orphanet 2869, MedGen C0031269, MeSH D010580, MONDO:0008280, OMIM 175200.
Melanoma, cutaneous malignant, susceptibility to, 1 (CMM1). Also called: DYSPLASTIC NEVUS SYNDROME, HEREDITARY; FAMILIAL ATYPICAL MOLE-MALIGNANT MELANOMA SYNDROME; MELANOMA, MALIGNANT; B-K MOLE SYNDROME. Identifiers: Orphanet 618, MedGen C1835047, MONDO:0007963, OMIM 155600.

gnomAD v4.1: 4 of 1,592,952 alleles (0.00025%); highest among the groups gnomAD compares: Non-Finnish European, 0.00026%; no homozygotes.

Submissions (5):

Center for Genomic Medicine, Rigshospitalet, Copenhagen University Hospital
Classification: Uncertain significance. Last evaluated: 2025-03-04. Review status: criteria provided, single submitter. Criteria: ACMG Guidelines, 2015. Collection method: clinical testing. Allele origin: germline.

Ambry Genetics
Classification: Likely benign for Hereditary cancer-predisposing syndrome. Last evaluated: 2024-12-21. Review status: criteria provided, single submitter. Criteria: Ambry Variant Classification Scheme 2023. Collection method: clinical testing. Allele origin: germline.

Labcorp Genetics (formerly Invitae), Labcorp
Classification: Uncertain significance for Peutz-Jeghers syndrome. Last evaluated: 2024-04-16. Review status: criteria provided, single submitter. Criteria: Invitae Variant Classification Sherloc (09022015). Collection method: clinical testing. Allele origin: germline.
Comment: This sequence change replaces alanine, which is neutral and non-polar, with glycine, which is neutral and non-polar, at codon 406 of the STK11 protein (p.Ala406Gly). This variant is not present in population databases (gnomAD no frequency). This variant has not been reported in the literature in individuals affected with STK11-related conditions. ClinVar contains an entry for this variant (Variation ID: 818617). Advanced modeling of protein sequence and biophysical properties (such as structural, functional, and spatial information, amino acid conservation, physicochemical variation, residue mobility, and thermodynamic stability) performed at Invitae indicates that this missense variant is not expected to disrupt STK11 protein function with a negative predictive value of 95%. In summary, the available evidence is currently insufficient to determine the role of this variant in disease. Therefore, it has been classified as a Variant of Uncertain Significance.

Baylor Genetics
Classification: Uncertain significance for Melanoma, cutaneous malignant, susceptibility to, 1. Last evaluated: 2023-10-10. Review status: criteria provided, single submitter. Criteria: ACMG Guidelines, 2015. Collection method: clinical testing. Allele origin: unknown.

Genome-Nilou Lab
Classification: Uncertain significance for Peutz-Jeghers syndrome. Last evaluated: 2021-07-15. Review status: criteria provided, single submitter. Criteria: ACMG Guidelines, 2015. Collection method: clinical testing. Allele origin: germline. Affected: no.

NM_000455.5(STK11):c.1217C>G (p.Ala406Gly)

Gene: STK11 (serine/threonine kinase 11; plus strand). Cytogenetic location: 19p13.3.
Variant type: single nucleotide variant.
Coding change: c.1217C>G on transcript NM_000455.5 (MANE Select); coding-DNA position 1217, C replaced by G.
Protein change: p.Ala406Gly; replaces alanine 406 with glycine.
Molecular consequence: missense variant.
Genome position (GRCh38, 1-based): chr19:1,226,562, C>G. VCF-style: chr19-1226562-C-G. GRCh37 (hg19) VCF-style: chr19-1226561-C-G.
Other names: short protein forms A406G.
Identifiers: ClinVar variation 818617 (VCV000818617.22), dbSNP rs748202003, ClinGen allele CA402953796.